The following is an entry in ClinVar:

NM_003334.4(UBA1):c.1340G>A (p.Arg447His)

Gene: UBA1 (ubiquitin like modifier activating enzyme 1; plus strand). Cytogenetic location: Xp11.3.
Variant type: single nucleotide variant.
Coding change: c.1340G>A on transcript NM_003334.4 (MANE Select); coding-DNA position 1340, G replaced by A.
Protein change: p.Arg447His; replaces arginine 447 with histidine.
Molecular consequence: missense variant.
Genome position (GRCh38, 1-based): chrX:47,203,135, G>A. VCF-style: chrX-47203135-G-A. GRCh37 (hg19) VCF-style: chrX-47062534-G-A.
Other names: c.1340G>A, p.Arg447His (NM_153280.3); short protein forms R447H.
Identifiers: ClinVar variation 368336 (VCV000368336.19), dbSNP rs2070169, ClinGen allele CA10395900.

ClinVar aggregate classification (germline): Benign/Likely benign. Review status: criteria provided, multiple submitters, no conflicts (2 of 4 stars). 8 submissions from 8 submitters: Benign (7); Likely benign (1). Last evaluated 2026-02-04.

Conditions:
Infantile-onset X-linked spinal muscular atrophy. Also called: Spinal Muscular Atrophy, X-Linked Infantile; AMC, DISTAL, X-LINKED; ARTHROGRYPOSIS, X-LINKED, TYPE I; SPINAL MUSCULAR ATROPHY, X-LINKED LETHAL INFANTILE; Spinal muscular atrophy, X-linked 2. Identifiers: Orphanet 1145, MedGen C1844934, MONDO:0010532, OMIM 301830.

Allele frequency attached by ClinVar (database versions not stated): ESP Exome Variant Server 0.12061; gnomAD 0.13373 and 0.14274; gnomAD exomes 0.13790 and 0.19244; TOPMed 0.16165; ExAC 0.18348; 1000 Genomes Project 0.23232; 1000 Genomes Project 30x 0.23538.
gnomAD v4.1: 168,195 of 1,209,233 alleles (14%); highest among the groups gnomAD compares: South Asian, 43%; 9,977 homozygotes.

Submissions (8):

Labcorp Genetics (formerly Invitae), Labcorp
Classification: Benign for Infantile-onset X-linked spinal muscular atrophy. Last evaluated: 2026-02-04. Review status: criteria provided, single submitter. Criteria: Invitae Variant Classification Sherloc (09022015). Collection method: clinical testing. Allele origin: germline.

Blueprint Genetics
Classification: Likely benign. Last evaluated: 2024-11-28. Review status: criteria provided, single submitter. Criteria: ACMG Guidelines, 2015. Collection method: clinical testing. Allele origin: germline.

Unidad de Genómica Garrahan, Hospital de Pediatría Garrahan
Classification: Benign. Last evaluated: 2024-01-24. Review status: criteria provided, single submitter. Criteria: ACMG Guidelines, 2015. Collection method: clinical testing. Allele origin: germline. Affected: no. Observed: 40 variant alleles.
Comment: This variant is classified as Benign based on local population frequency. This variant was detected in 42% of patients studied by a panel of primary immunodeficiencies. Number of patients: 40. Only high quality variants are reported.

Mayo Clinic Laboratories, Mayo Clinic
Classification: Benign. Last evaluated: 2022-03-24. Review status: criteria provided, single submitter. Criteria: ACMG Guidelines, 2015. Collection method: clinical testing. Allele origin: germline. Observed: 201 variant alleles.

Genome-Nilou Lab
Classification: Benign for Infantile-onset X-linked spinal muscular atrophy. Last evaluated: 2021-12-05. Review status: criteria provided, single submitter. Criteria: ACMG Guidelines, 2015. Collection method: clinical testing. Allele origin: germline. Affected: no.

Illumina Laboratory Services, Illumina
Classification: Benign for Infantile-onset X-linked spinal muscular atrophy. Last evaluated: 2018-01-12. Review status: criteria provided, single submitter. Criteria: ICSL Variant Classification Criteria 13 December 2019. Collection method: clinical testing. Allele origin: germline.
Comment: This variant was observed in the ICSL laboratory as part of a predisposition screen in an ostensibly healthy population. It had not been previously curated by ICSL or reported in the Human Gene Mutation Database (HGMD: prior to June 1st, 2018), and was therefore a candidate for classification through an automated scoring system. Utilizing variant allele frequency, disease prevalence and penetrance estimates, and inheritance mode, an automated score was calculated to assess if this variant is too frequent to cause the disease. Based on the score and internal cut-off values, a variant classified as benign is not then subjected to further curation. The score for this variant resulted in a classification of benign for this disease.

GeneDx
Classification: Benign. Last evaluated: 2016-02-08. Review status: criteria provided, single submitter. Criteria: GeneDx Variant Classification (06012015). Collection method: clinical testing. Allele origin: germline. Affected: yes.
Comment: This variant is considered likely benign or benign based on one or more of the following criteria: it is a conservative change, it occurs at a poorly conserved position in the protein, it is predicted to be benign by multiple in silico algorithms, and/or has population frequency not consistent with disease.

Breakthrough Genomics
Classification: Benign. Review status: criteria provided, single submitter. Criteria: ACMG Guidelines, 2015. Collection method: not provided. Allele origin: germline. Inheritance: Other. Affected: yes.